The following is an entry in ClinVar:

ClinVar aggregate classification (germline): Likely benign (1 of 4 stars; one submission).

gnomAD v4.1: 28 of 1,601,580 alleles (0.0017%); highest among the groups gnomAD compares: East Asian, 0.0045%; no homozygotes.

Submission:

CeGaT Center for Human Genetics Tuebingen
Classification: Likely benign. Last evaluated: 2026-03-01. Review status: criteria provided, single submitter. Criteria: CeGaT Center For Human Genetics Tuebingen Variant Classification Criteria Version 2. Collection method: clinical testing. Allele origin: germline. Affected: yes. Observed: 1 variant allele.
Comment: KNL1: BP4, BP7

NM_144508.5(KNL1):c.570C>T (p.Thr190=)

Gene: KNL1 (kinetochore scaffold 1; plus strand). Cytogenetic location: 15q15.1.
Variant type: single nucleotide variant.
Coding change: c.570C>T on transcript NM_144508.5 (MANE Select); coding-DNA position 570, C replaced by T.
Protein change: p.Thr190=; no amino-acid change (threonine 190 retained).
Molecular consequence: synonymous variant.
Genome position (GRCh38, 1-based): chr15:40,620,834, C>T. VCF-style: chr15-40620834-C-T. GRCh37 (hg19) VCF-style: chr15-40913032-C-T.
Other names: c.648C>T, p.Thr216= (NM_170589.5).
Identifiers: ClinVar variation 4822309 (VCV004822309.4).